The following is an entry in ClinVar:

NM_001273.5(CHD4):c.4003A>C (p.Lys1335Gln)

Genes: CHD4 (chromodomain helicase DNA binding protein 4; minus strand), CHD4-AS1 (CHD4 antisense RNA 1; plus strand). Cytogenetic location: 12p13.31.
Variant type: single nucleotide variant.
Coding change: c.4003A>C on transcript NM_001273.5 (MANE Select); coding-DNA position 4003, A replaced by C.
Protein change: p.Lys1335Gln; replaces lysine 1335 with glutamine.
Molecular consequence: missense variant.
Genome position (GRCh38, 1-based): chr12:6,583,255, T>G on the plus strand (A>C on the coding strand, the complement: CHD4 is on the minus strand). VCF-style: chr12-6583255-T-G. GRCh37 (hg19) VCF-style: chr12-6692421-T-G.
Other names: c.3982A>C, p.Lys1328Gln (NM_001297553.2); c.3964A>C, p.Lys1322Gln (NM_001363606.2); short protein forms K1322Q, K1328Q, K1335Q.
Identifiers: ClinVar variation 1709214 (VCV001709214.2), dbSNP rs2540383458, ClinGen allele CA383577275.
Genomic context (GRCh38, chr12:6,583,255, plus strand): 5'-CACCTCGGTCCTCCTGGGAGCCATCATTGTAGTTGACCTGTTTACGGATTCTTTTTCCTT[T>G]GCCCAGATTTCGGGCTAGATCTTCTTGCTGCTGCTCATAATGGTGCCGCAGCAATTTCTC-3'
Protein context (NP_001264.2, residues 1325-1345): QQEDLARNLG[Lys1335Gln]GKRIRKQVNY

ClinVar aggregate classification (germline): Likely pathogenic (1 of 4 stars; one submission).

Conditions:
Sifrim-Hitz-Weiss syndrome (SIHIWES). Also called: SIFRIM-HITZ-WEISS MULTIPLE CONGENITAL ANOMALIES-MENTAL RETARDATION SYNDROME; CHD4 Neurodevelopmental Disorder. Identifiers: Orphanet 653712, MedGen C4310688, MONDO:0014946, OMIM 617159.

Submission:

MGZ Medical Genetics Center
Classification: Likely pathogenic for Sifrim-Hitz-Weiss syndrome. Last evaluated: 2022-03-22. Review status: criteria provided, single submitter. Criteria: ACMG Guidelines, 2015. Collection method: clinical testing. Allele origin: germline. Affected: yes. Observed: 1 variant allele.
Comment: ACMG criteria applied: PS2_MOD, PM1, PM2_SUP, PP2, PP3